The following is an entry in ClinVar:

NM_020765.3(UBR4):c.11328+56C>G

Gene: UBR4 (ubiquitin protein ligase E3 component n-recognin 4; minus strand). Cytogenetic location: 1p36.13.
Variant type: single nucleotide variant.
Coding change: c.11328+56C>G on transcript NM_020765.3 (MANE Select); 56 bases into the intron after coding-DNA position 11328, C replaced by G.
Molecular consequence: intron variant.
Genome position (GRCh38, 1-based): chr1:19,113,889, G>C on the plus strand (C>G on the coding strand, the complement: UBR4 is on the minus strand). VCF-style: chr1-19113889-G-C. GRCh37 (hg19) VCF-style: chr1-19440383-G-C.
Identifiers: ClinVar variation 2638416 (VCV002638416.24), dbSNP rs113498244, ClinGen allele CA649002.
Genomic context (GRCh38, chr1:19,113,889, plus strand): 5'-TGCAACCCCAAGAGGTAAGCTGTCAGGCTCCCCACCTAAGGTGATCTCACCTAGGAGGCA[G>C]TCTTCTGATCAAGACCCAAGCCCTTATCCAAATGCCCTTTGCAGCGTGGGACTACCTGTG-3'

ClinVar aggregate classification (germline): Benign (1 of 4 stars; one submission).

Allele frequency attached by ClinVar (database versions not stated): 1000 Genomes Project 0.00359; 1000 Genomes Project 30x 0.00375; ExAC 0.00529; TOPMed 0.00535.
gnomAD v4.1: 12,410 of 1,614,166 alleles (0.77%); highest among the groups gnomAD compares: Non-Finnish European, 0.91%; 67 homozygotes.

Submission:

CeGaT Center for Human Genetics Tuebingen
Classification: Benign. Last evaluated: 2023-02-01. Review status: criteria provided, single submitter. Criteria: CeGaT Center For Human Genetics Tuebingen Variant Classification Criteria Version 2. Collection method: clinical testing. Allele origin: germline. Affected: yes. Observed: 2 variant alleles.
Comment: UBR4: BS1, BS2